The following is an entry in ClinVar:

ClinVar aggregate classification (germline): Pathogenic (1 of 4 stars; one submission).

Conditions:
Familial thoracic aortic aneurysm and aortic dissection (TAAD). Also called: Thoracic aortic aneurysms and dissections. Identifiers: Orphanet 91387, MedGen C4707243, MONDO:0019625.

Submission:

Labcorp Genetics (formerly Invitae), Labcorp
Classification: Pathogenic for Familial thoracic aortic aneurysm and aortic dissection. Last evaluated: 2022-10-11. Review status: criteria provided, single submitter. Criteria: Invitae Variant Classification Sherloc (09022015). Collection method: clinical testing. Allele origin: germline.
Comment: For these reasons, this variant has been classified as Pathogenic. This variant has not been reported in the literature in individuals affected with SMAD3-related conditions. This variant is not present in population databases (gnomAD no frequency). This sequence change creates a premature translational stop signal (p.Arg295Alafs*16) in the SMAD3 gene. It is expected to result in an absent or disrupted protein product. Loss-of-function variants in SMAD3 are known to be pathogenic (PMID: 21778426, 24804794).

Literature cited by the submitters: PubMed 21778426; PubMed 24804794.

NM_005902.4(SMAD3):c.881dup (p.Arg295fs)

Gene: SMAD3 (SMAD family member 3; plus strand). Cytogenetic location: 15q22.33.
Variant type: Duplication.
Coding change: c.881dup on transcript NM_005902.4 (MANE Select); coding-DNA position 881, one base duplicated (T; older notation c.881dupT).
Protein change: p.Arg295fs; shifts the reading frame from arginine 295.
Molecular consequence: frameshift variant.
Genome position (GRCh38, 1-based): chr15:67,184,736, T duplicated. VCF-style (leftmost placement, unchanged base first): chr15-67184735-G-GT. GRCh37 (hg19) VCF-style: chr15-67477073-G-GT.
Other names: c.566dup, p.Arg190fs (NM_001145102.2); c.749dup, p.Arg251fs (NM_001145103.2); c.296dup, p.Arg100fs (NM_001145104.2); c.881dup, p.Arg295Alafs (NM_001407011.1); c.749dup, p.Arg251Alafs (NM_001407012.1); c.734dup, p.Arg246Alafs (NM_001407014.1); c.434dup, p.Arg146Alafs (NM_001407015.1); c.566dup, p.Arg190Alafs (NM_001407016.1); and 1 more; short protein forms R100fs, R251fs, R295fs, R190fs.
Identifiers: ClinVar variation 2027953 (VCV002027953.4), dbSNP rs2505299822, ClinGen allele CA2580089919.